The following is an entry in ClinVar:

ClinVar aggregate classification (germline): Uncertain significance (1 of 4 stars; one submission).

Conditions:
Familial hemophagocytic lymphohistiocytosis 5. Also called: STXBP2-Related Familial Hemophagocytic Lymphohistiocytosis (STXBP2-fHLH). Identifiers: Orphanet 540, MedGen C2751293, MONDO:0013135, OMIM 613101.

Allele frequency attached by ClinVar (database versions not stated): gnomAD exomes 0.00001; gnomAD 0.00002; TOPMed 0.00003.

Submission:

Labcorp Genetics (formerly Invitae), Labcorp
Classification: Uncertain significance for Familial hemophagocytic lymphohistiocytosis 5. Last evaluated: 2022-03-28. Review status: criteria provided, single submitter. Criteria: Invitae Variant Classification Sherloc (09022015). Collection method: clinical testing. Allele origin: germline.
Comment: This sequence change replaces lysine, which is basic and polar, with arginine, which is basic and polar, at codon 581 of the STXBP2 protein (p.Lys581Arg). This variant is present in population databases (no rsID available, gnomAD 0.006%). This variant has not been reported in the literature in individuals affected with STXBP2-related conditions. ClinVar contains an entry for this variant (Variation ID: 845323). Algorithms developed to predict the effect of missense changes on protein structure and function are either unavailable or do not agree on the potential impact of this missense change (SIFT: "Tolerated"; PolyPhen-2: "Probably Damaging"; Align-GVGD: "Class C0"). In summary, the available evidence is currently insufficient to determine the role of this variant in disease. Therefore, it has been classified as a Variant of Uncertain Significance.

NM_006949.4(STXBP2):c.1742A>G (p.Lys581Arg)

Gene: STXBP2 (syntaxin binding protein 2; plus strand). Cytogenetic location: 19p13.2.
Variant type: single nucleotide variant.
Coding change: c.1742A>G on transcript NM_006949.4 (MANE Select); coding-DNA position 1742, A replaced by G.
Protein change: p.Lys581Arg; replaces lysine 581 with arginine.
Molecular consequence: missense variant. On other transcripts: non-coding transcript variant (1).
Genome position (GRCh38, 1-based): chr19:7,647,770, A>G. VCF-style: chr19-7647770-A-G. GRCh37 (hg19) VCF-style: chr19-7712656-A-G.
Other names: c.1733A>G, p.Lys578Arg (NM_001127396.3); c.1775A>G, p.Lys592Arg (NM_001272034.2); short protein forms K592R, K578R, K581R.
Identifiers: ClinVar variation 845323 (VCV000845323.7), dbSNP rs955110475, ClinGen allele CA304913063.
Genomic context (GRCh38, chr19:7,647,770, plus strand): 5'-TCTGCCCCTGCACAGGCTCCTCACACATCCTCACCCCGACCCGCTTCCTGGATGACCTGA[A>G]GGCACTGGACAAGAAGCTGGAGGACATTGCCCTGCCCTGACCCCTGGCCCCGCCCCCTAC-3'
Protein context (NP_008880.2, residues 571-591): LTPTRFLDDL[Lys581Arg]ALDKKLEDIA